The following is an entry in ClinVar:

NM_000158.4(GBE1):c.451G>A (p.Gly151Arg)

Gene: GBE1 (1,4-alpha-glucan branching enzyme 1; minus strand). Cytogenetic location: 3p12.2.
Variant type: single nucleotide variant.
Coding change: c.451G>A on transcript NM_000158.4 (MANE Select); coding-DNA position 451, G replaced by A.
Protein change: p.Gly151Arg; replaces glycine 151 with arginine.
Molecular consequence: missense variant.
Genome position (GRCh38, 1-based): chr3:81,649,900, C>T on the plus strand (G>A on the coding strand, the complement: GBE1 is on the minus strand). VCF-style: chr3-81649900-C-T. GRCh37 (hg19) VCF-style: chr3-81699051-C-T.
Other names: short protein forms G151R.
Identifiers: ClinVar variation 2078763 (VCV002078763.1), dbSNP rs760648342, ClinGen allele CA2499962.

ClinVar aggregate classification (germline): Uncertain significance (1 of 4 stars; one submission).

Conditions:
Glycogen storage disease, type IV (GSD4). Also called: AMYLOPECTINOSIS; ANDERSEN DISEASE; Glycogen storage disease due to glycogen branching enzyme deficiency; BRANCHER DEFICIENCY; CIRRHOSIS, FAMILIAL, WITH DEPOSITION OF ABNORMAL GLYCOGEN; GBE1 DEFICIENCY. Identifiers: Orphanet 367, MedGen C0017923, MONDO:0009292, OMIM 232500.
Glycogen storage disease IV, classic hepatic. Also called: GSD IV, CLASSIC HEPATIC. Identifiers: MedGen C1856301.

Allele frequency attached by ClinVar (database versions not stated): ExAC 0.00001; gnomAD 0.00001; gnomAD exomes 0.00003.
gnomAD v4.1: 49 of 1,608,354 alleles (0.003%); highest among the groups gnomAD compares: South Asian, 0.0055%; no homozygotes.

Submission:

Labcorp Genetics (formerly Invitae), Labcorp
Classification: Uncertain significance for Glycogen storage disease, type IV; Glycogen storage disease IV, classic hepatic. Last evaluated: 2022-01-07. Review status: criteria provided, single submitter. Criteria: Invitae Variant Classification Sherloc (09022015). Collection method: clinical testing. Allele origin: germline.
Comment: This sequence change replaces glycine, which is neutral and non-polar, with arginine, which is basic and polar, at codon 151 of the GBE1 protein (p.Gly151Arg). This variant is present in population databases (rs760648342, gnomAD 0.01%). This variant has not been reported in the literature in individuals affected with GBE1-related conditions. Algorithms developed to predict the effect of missense changes on protein structure and function are either unavailable or do not agree on the potential impact of this missense change (SIFT: "Deleterious"; PolyPhen-2: "Probably Damaging"; Align-GVGD: "Class C0"). In summary, the available evidence is currently insufficient to determine the role of this variant in disease. Therefore, it has been classified as a Variant of Uncertain Significance.